The following is an entry in ClinVar:

ClinVar aggregate classification (germline): Benign (0 of 4 stars; one submission).

Conditions:
BIRC6-related disorder. Also called: BIRC6-related condition.

Allele frequency attached by ClinVar (database versions not stated): gnomAD exomes 0.00048; ExAC 0.00167; gnomAD 0.00460; 1000 Genomes Project 0.00479; TOPMed 0.00506; 1000 Genomes Project 30x 0.00531; ESP Exome Variant Server 0.00561.
gnomAD v4.1: 1,403 of 1,612,450 alleles (0.087%); highest among the groups gnomAD compares: African/African-American, 1.7%; 11 homozygotes.

Submission:

PreventionGenetics, part of Exact Sciences
Classification: Benign for BIRC6-related condition. Last evaluated: 2019-03-22. Review status: no assertion criteria provided. Collection method: clinical testing. Allele origin: germline.
Comment: This variant is classified as benign based on ACMG/AMP sequence variant interpretation guidelines (Richards et al. 2015 PMID: 25741868, with internal and published modifications).

NM_016252.4(BIRC6):c.4144C>A (p.Arg1382=)

Gene: BIRC6 (baculoviral IAP repeat containing 6; plus strand). Cytogenetic location: 2p22.3.
Variant type: single nucleotide variant.
Coding change: c.4144C>A on transcript NM_016252.4 (MANE Select); coding-DNA position 4144, C replaced by A.
Protein change: p.Arg1382=; no amino-acid change (arginine 1382 retained).
Molecular consequence: synonymous variant.
Genome position (GRCh38, 1-based): chr2:32,442,361, C>A. VCF-style: chr2-32442361-C-A. GRCh37 (hg19) VCF-style: chr2-32667429-C-A.
Other names: c.4102C>A, p.Arg1368= (NM_001378125.1).
Identifiers: ClinVar variation 3056880 (VCV003056880.2), dbSNP rs61735955, ClinGen allele CA1603291.